The following is an entry in ClinVar:

NM_015662.3(IFT172):c.1005+10A>T

Gene: IFT172 (intraflagellar transport 172; minus strand). Cytogenetic location: 2p23.3.
Variant type: single nucleotide variant.
Coding change: c.1005+10A>T on transcript NM_015662.3 (MANE Select); 10 bases into the intron after coding-DNA position 1005, A replaced by T.
Molecular consequence: intron variant.
Genome position (GRCh38, 1-based): chr2:27,479,499, T>A on the plus strand (A>T on the coding strand, the complement: IFT172 is on the minus strand). VCF-style: chr2-27479499-T-A. GRCh37 (hg19) VCF-style: chr2-27702366-T-A.
Other names: c.1005+10A>T (NM_015662.2).
Identifiers: ClinVar variation 1348185 (VCV001348185.11), dbSNP rs771534291, ClinGen allele CA1580804.
Genomic context (GRCh38, chr2:27,479,499, plus strand): 5'-GGCAGGGAAATGTTATAAGGAGGAATGAGCCACGCAAGTTCTCAGTGCAGTAGGCTACCA[T>A]CCTGCTTACCTGGCTAGGTCCCACATACGTCAACTCAAACTTGTTCTTGTAAATACTCCT-3'

ClinVar aggregate classification (germline): Conflicting classifications of pathogenicity. Review status: criteria provided, conflicting classifications (1 of 4 stars). 4 submissions from 4 submitters: Uncertain significance (1); Likely benign (2). 1 of the submissions does not count toward it. Last evaluated 2025-09-10.

Conditions:
Short-rib thoracic dysplasia 10 with or without polydactyly (SRTD10). Identifiers: Orphanet 474, MedGen C3810175, MONDO:0014284, OMIM 615630.
Retinitis pigmentosa 71 (RP71). Identifiers: Orphanet 791, MedGen C4225342, MONDO:0014618, OMIM 616394.
Bardet-Biedl syndrome 20. Identifiers: MedGen C4310707, MONDO:0023670, OMIM 619471, MONDO:0014926.
IFT172-related disorder. Also called: IFT172-related disorders; IFT172-related condition.

Allele frequency attached by ClinVar (database versions not stated): gnomAD exomes 0.00001 and 0.00002; ExAC 0.00003.
gnomAD v4.1: 16 of 1,524,686 alleles (0.001%); highest among the groups gnomAD compares: Admixed American, 0.0083%; no homozygotes.

Submissions (4):

Labcorp Genetics (formerly Invitae), Labcorp
Classification: Likely benign for Retinitis pigmentosa 71; Short-rib thoracic dysplasia 10 with or without polydactyly. Last evaluated: 2025-09-10. Review status: criteria provided, single submitter. Criteria: Invitae Variant Classification Sherloc (09022015). Collection method: clinical testing. Allele origin: germline.

Blueprint Genetics
Classification: Likely benign. Last evaluated: 2024-11-25. Review status: criteria provided, single submitter. Criteria: ACMG Guidelines, 2015. Collection method: clinical testing. Allele origin: germline.

Fulgent Genetics
Classification: Uncertain significance for Short-rib thoracic dysplasia 10 with or without polydactyly; Retinitis pigmentosa 71; Bardet-Biedl syndrome 20. Last evaluated: 2024-02-14. Review status: criteria provided, single submitter. Criteria: ACMG Guidelines, 2015. Collection method: clinical testing. Allele origin: germline.

PreventionGenetics, part of Exact Sciences
Classification: Likely benign for IFT172-related condition. Last evaluated: 2020-07-29. Review status: no assertion criteria provided. Collection method: clinical testing. Allele origin: germline. Not counted in ClinVar's aggregate classification.
Comment: This variant is classified as likely benign based on ACMG/AMP sequence variant interpretation guidelines (Richards et al. 2015 PMID: 25741868, with internal and published modifications).